The following is an entry in ClinVar:

NM_002691.4(POLD1):c.2284_2292del (p.Arg762_Gly764del)

Gene: POLD1 (DNA polymerase delta 1, catalytic subunit; plus strand). Cytogenetic location: 19q13.33.
Variant type: Deletion.
Coding change: c.2284_2292del on transcript NM_002691.4 (MANE Select); coding-DNA positions 2284 to 2292, 9 bases deleted (CGATTCGGC; older notation c.2284_2292delCGATTCGGC).
Protein change: p.Arg762_Gly764del.
Molecular consequence: inframe deletion. On other transcripts: non-coding transcript variant (1).
Genome position (GRCh38, 1-based): chr19:50,413,775-50,413,783, CGATTCGGC deleted; deleting any 9 consecutive bases within chr19:50,413,773-50,413,783 gives the same sequence; the c. name uses the placement nearest the transcript's 3' end. VCF-style (leftmost placement, unchanged base first): chr19-50413772-TGCCGATTCG-T. GRCh37 (hg19) VCF-style: chr19-50917029-TGCCGATTCG-T.
Other names: c.2284_2292del, p.Arg762_Gly764del (NM_001256849.1); c.2362_2370del, p.Arg788_Gly790del (NM_001308632.1).
Identifiers: ClinVar variation 821027 (VCV000821027.6), dbSNP rs1601238541, ClinGen allele CA915951952.

ClinVar aggregate classification (germline): Uncertain significance. Review status: criteria provided, multiple submitters, no conflicts (2 of 4 stars). 2 submissions from 2 submitters: Uncertain significance (2). Last evaluated 2024-03-16.

Conditions:
Hereditary cancer-predisposing syndrome. Also called: Hereditary Cancer Syndrome; Hereditary neoplastic syndrome; Neoplastic Syndromes, Hereditary; Tumor predisposition. Identifiers: Orphanet 140162, MedGen C0027672, MeSH D009386, MONDO:0015356.
POLD1-related polyposis and colorectal cancer syndrome (CRCS10). Also called: Colorectal cancer, susceptibility to, 10; Colorectal cancer 10; COLORECTAL CANCER, SUSCEPTIBILITY TO, ON CHROMOSOME 19q. Identifiers: Orphanet 220460, MedGen C2675481, MONDO:0012953, OMIM 612591.

Submissions (2):

Labcorp Genetics (formerly Invitae), Labcorp
Classification: Uncertain significance for POLD1-related polyposis and colorectal cancer syndrome. Last evaluated: 2024-03-16. Review status: criteria provided, single submitter. Criteria: Invitae Variant Classification Sherloc (09022015). Collection method: clinical testing. Allele origin: germline.
Comment: This variant, c.2284_2292del, results in the deletion of 3 amino acid(s) of the POLD1 protein (p.Arg762_Gly764del), but otherwise preserves the integrity of the reading frame. This variant is not present in population databases (gnomAD no frequency). This variant has not been reported in the literature in individuals affected with POLD1-related conditions. ClinVar contains an entry for this variant (Variation ID: 821027). Experimental studies and prediction algorithms are not available or were not evaluated, and the functional significance of this variant is currently unknown. In summary, the available evidence is currently insufficient to determine the role of this variant in disease. Therefore, it has been classified as a Variant of Uncertain Significance.

Ambry Genetics
Classification: Uncertain significance for Hereditary cancer-predisposing syndrome. Last evaluated: 2019-10-21. Review status: criteria provided, single submitter. Criteria: Ambry Variant Classification Scheme 2023. Collection method: clinical testing. Allele origin: germline.
Comment: The c.2284_2292delCGATTCGGC variant (also known as p.R762_G764del) is located in coding exon 18 of the POLD1 gene. This variant results from an in-frame CGATTCGGC deletion at nucleotide positions 2284 to 2292. This results in the in-frame deletion of 3 residues at codon 762 to 764. This amino acid region is well conserved in available vertebrate species. In addition, this alteration is predicted to be deleterious by in silico analysis (Choi Y et al. PLoS ONE. 2012; 7(10):e46688). Since supporting evidence is limited at this time, the clinical significance of this alteration remains unclear.